The following is an entry in ClinVar:

NM_001288705.3(CSF1R):c.1584GCT[6] (p.Leu537_Tyr538insLeu)

Gene: CSF1R (colony stimulating factor 1 receptor; minus strand). Cytogenetic location: 5q32.
Variant type: Microsatellite.
Coding change: c.1584GCT[6] on transcript NM_001288705.3 (MANE Select); six copies in a row of the 3-base unit GCT starting at c.1584; the reference has five copies in a row; one copy, 3 bases duplicated.
Protein change: p.Leu537_Tyr538insLeu.
Molecular consequence: non-coding transcript variant (on NR_109969.2).
Genome position (GRCh38, 1-based): chr5:150,068,243-150,068,245, AGC duplicated on the plus strand (GCT on the coding strand, the reverse complement: CSF1R is on the minus strand); duplicating any 3 consecutive bases within chr5:150,068,243-150,068,258 gives the same sequence; the position shown is the placement nearest the transcript's 3' end. VCF-style (leftmost placement, unchanged base first): chr5-150068242-G-GAGC. GRCh37 (hg19) VCF-style: chr5-149447805-G-GAGC.
Other names: c.1584GCT[6], p.Leu537_Tyr538insLeu (NM_001349736.2, NM_001375320.1, NM_005211.4); c.1140GCT[6], p.Leu389_Tyr390insLeu (NM_001375321.1); c.1596_1598dupGCT (NM_005211.4).
Identifiers: ClinVar variation 3384932 (VCV003384932.1).
Genomic context (GRCh38, chr5:150,068,242, plus strand): 5'-GGCACCTGGCAGCCCCACTCCGCTCCGGCTCACCTGCTTATACTTGTACAATAGCAGCAG[G>GAGC]AGCAGCAGCAGCAGCAAGGCCATGATGGACATGCAGGCGACCACCACTGGTGTGAAGAGG-3'

ClinVar aggregate classification (germline): Uncertain significance (1 of 4 stars; one submission).

Submission:

Women's Health and Genetics/Laboratory Corporation of America, LabCorp
Classification: Uncertain significance. Last evaluated: 2024-10-04. Review status: criteria provided, single submitter. Criteria: LabCorp Variant Classification Summary - May 2015. Collection method: clinical testing. Allele origin: germline.
Comment: Variant summary: CSF1R c.1596_1598dupGCT (p.Leu537dup) results in an in-frame duplication that is predicted to duplicate 1 amino acid into the encoded protein. The frequency data for this variant in gnomAD is considered unreliable, as metrics indicate poor data quality at this position. To our knowledge, no occurrence of c.1596_1598dupGCT in individuals affected with Brain Abnormalities, Neurodegeneration, And Dysosteosclerosis and no experimental evidence demonstrating its impact on protein function have been reported. No submitters have cited clinical-significance assessments for this variant to ClinVar. Based on the evidence outlined above, the variant was classified as uncertain significance.